The following is an entry in ClinVar:

NM_001348768.2(HECW2):c.4486T>G (p.Leu1496Val)

Gene: HECW2 (HECT, C2 and WW domain containing E3 ubiquitin protein ligase 2; minus strand). Cytogenetic location: 2q32.3.
Variant type: single nucleotide variant.
Coding change: c.4486T>G on transcript NM_001348768.2 (MANE Select); coding-DNA position 4486, T replaced by G.
Protein change: p.Leu1496Val; replaces leucine 1496 with valine.
Molecular consequence: missense variant.
Genome position (GRCh38, 1-based): chr2:196,217,016, A>C on the plus strand (T>G on the coding strand, the complement: HECW2 is on the minus strand). VCF-style: chr2-196217016-A-C. GRCh37 (hg19) VCF-style: chr2-197081740-A-C.
Other names: c.3418T>G, p.Leu1140Val (NM_001304840.3); c.4486T>G, p.Leu1496Val (NM_020760.4); short protein forms L1140V, L1496V.
Identifiers: ClinVar variation 3393708 (VCV003393708.2).

ClinVar aggregate classification (germline): Uncertain significance (1 of 4 stars; one submission).

Submission:

GeneDx
Classification: Uncertain significance. Last evaluated: 2025-08-18. Review status: criteria provided, single submitter. Criteria: GeneDx Variant Classification Process June 2021. Collection method: clinical testing. Allele origin: germline. Affected: yes.
Comment: Not observed at significant frequency in large population cohorts (gnomAD); In silico analysis supports that this missense variant has a deleterious effect on protein structure/function; Has not been previously published as pathogenic or benign to our knowledge